The following is an entry in ClinVar:

ClinVar aggregate classification (germline): Uncertain significance (1 of 4 stars; one submission).

Submission:

GeneDx
Classification: Uncertain significance. Last evaluated: 2023-06-14. Review status: criteria provided, single submitter. Criteria: GeneDx Variant Classification Process June 2021. Collection method: clinical testing. Allele origin: germline. Affected: yes.
Comment: Not observed at significant frequency in large population cohorts (gnomAD); In silico analysis supports that this missense variant has a deleterious effect on protein structure/function; Has not been previously published as pathogenic or benign to our knowledge

NM_006236.3(POU3F3):c.997C>A (p.Arg333Ser)

Gene: POU3F3 (POU class 3 homeobox 3; plus strand). Cytogenetic location: 2q12.1.
Variant type: single nucleotide variant.
Coding change: c.997C>A on transcript NM_006236.3 (MANE Select); coding-DNA position 997, C replaced by A.
Protein change: p.Arg333Ser; replaces arginine 333 with serine.
Molecular consequence: missense variant.
Genome position (GRCh38, 1-based): chr2:104,856,507, C>A. VCF-style: chr2-104856507-C-A. GRCh37 (hg19) VCF-style: chr2-105472965-C-A.
Other names: short protein forms R333S.
Identifiers: ClinVar variation 3359915 (VCV003359915.1).
Genomic context (GRCh38, chr2:104,856,507, plus strand): 5'-GACGAGGACACGCCGACGTCGGACGACCTGGAGCAGTTCGCCAAGCAGTTCAAGCAGCGG[C>A]GCATCAAGCTGGGCTTCACGCAGGCCGACGTGGGGTTGGCGCTGGGCACACTCTACGGCA-3'
Protein context (NP_006227.1, residues 323-343): EQFAKQFKQR[Arg333Ser]IKLGFTQADV